The following is an entry in ClinVar:

NM_152594.3(SPRED1):c.342_343del (p.Gly115fs)

Gene: SPRED1 (sprouty related EVH1 domain containing 1; plus strand). Cytogenetic location: 15q14.
Variant type: Microsatellite.
Coding change: c.342_343del on transcript NM_152594.3 (MANE Select); coding-DNA positions 342 to 343, 2 bases deleted (AG; older notation c.342_343delAG).
Protein change: p.Gly115fs; shifts the reading frame from glycine 115.
Molecular consequence: frameshift variant.
Genome position (GRCh38, 1-based): chr15:38,322,375-38,322,376, AG deleted; deleting any 2 consecutive bases within chr15:38,322,373-38,322,376 gives the same sequence; the c. name uses the placement nearest the transcript's 3' end. VCF-style (leftmost placement, unchanged base first): chr15-38322372-TAG-T. GRCh37 (hg19) VCF-style: chr15-38614573-TAG-T.
Other names: short protein forms G115fs.
Identifiers: ClinVar variation 536687 (VCV000536687.9), dbSNP rs1555391061, ClinGen allele CA658798297.

ClinVar aggregate classification (germline): Pathogenic. Review status: criteria provided, multiple submitters, no conflicts (2 of 4 stars). 2 submissions from 2 submitters: Pathogenic (2). Last evaluated 2025-08-23.

Conditions:
Legius syndrome. Identifiers: Orphanet 137605, MedGen C1969623, MONDO:0012669, OMIM 611431. Disease mechanism: loss of function.

Submissions (2):

Dasa
Classification: Pathogenic. Last evaluated: 2025-08-23. Review status: criteria provided, single submitter. Criteria: DASA Assertion Criteria. Collection method: clinical testing. Allele origin: germline.
Comment: NM_152594.3(SPRED1):c.342_343del (p.Gly115Tyrfs*18) is a frameshift variant in SPRED1 predicted to alter the reading frame and introduce a premature termination codon and is predicted to result in an absent or altered protein product. Loss of function is an established disease mechanism for SPRED1 (PMID: 17704776; PMID: 19443465). This variant has been reported in individuals with SPRED1-related disorders. Also, this variant is absent from population databases. Based on the currently available evidence, this variant is classified as pathogenic.

Labcorp Genetics (formerly Invitae), Labcorp
Classification: Pathogenic for Legius syndrome. Last evaluated: 2018-02-06. Review status: criteria provided, single submitter. Criteria: Invitae Variant Classification Sherloc (09022015). Collection method: clinical testing. Allele origin: germline.
Comment: This variant is not present in population databases (ExAC no frequency). For these reasons, this variant has been classified as Pathogenic. Loss-of-function variants in SPRED1 are known to be pathogenic (PMID: 17704776). Algorithms developed to predict the effect of sequence changes on RNA splicing suggest that this variant may create or strengthen a splice site, but this prediction has not been confirmed by published transcriptional studies. This variant has not been reported in the literature in individuals with SPRED1-related disease. This sequence change creates a premature translational stop signal (p.Gly115Tyrfs*18) in the SPRED1 gene. It is expected to result in an absent or disrupted protein product.

Literature cited by the submitters: PubMed 17704776 (cited by Dasa and Labcorp Genetics (formerly Invitae), Labcorp); PubMed 19443465 (cited by Dasa).